The following is an entry in ClinVar:

NM_014625.4(NPHS2):c.979C>T (p.Leu327Phe)

Genes: AXDND1 (axonemal dynein light chain domain containing 1; plus strand), NPHS2 (NPHS2 stomatin family member, podocin; minus strand). Cytogenetic location: 1q25.2.
Variant type: single nucleotide variant.
Coding change: c.979C>T on transcript NM_014625.4 (MANE Select); coding-DNA position 979, C replaced by T.
Protein change: p.Leu327Phe; replaces leucine 327 with phenylalanine.
Molecular consequence: missense variant. On other transcripts: intron variant (1).
Genome position (GRCh38, 1-based): chr1:179,551,346, G>A on the plus strand (C>T on the coding strand, the complement: NPHS2 is on the minus strand). VCF-style: chr1-179551346-G-A. GRCh37 (hg19) VCF-style: chr1-179520481-G-A.
Other names: c.775C>T, p.Leu259Phe (NM_001297575.2); c.3032-3166G>A (NM_144696.6); short protein forms L327F, L259F.
Identifiers: ClinVar variation 556375 (VCV000556375.5), dbSNP rs748203170, ClinGen allele CA1267046.
Genomic context (GRCh38, chr1:179,551,346, plus strand): 5'-GTAGGTCAAATGGCAAAGGTAAAACCACAGTGGAAGGCTTCTCTGTGGACAGAGACTGAA[G>A]GGTGTGGAGGTATCGAAGCTGAACGGCAGCAGGGGTGCCTGACAGAATCTCAGCTGCCAT-3'
Protein context (NP_055440.1, residues 317-337): AAVQLRYLHT[Leu327Phe]QSLSTEKPST

ClinVar aggregate classification (germline): Likely pathogenic. Review status: criteria provided, multiple submitters, no conflicts (2 of 4 stars). 3 submissions from 3 submitters: Likely pathogenic (2). 1 of the submissions does not count toward it. Last evaluated 2026-05-25.

Conditions:
Nephrotic syndrome, type 2 (NPHS2). Also called: NEPHROTIC SYNDROME, STEROID-RESISTANT, AUTOSOMAL RECESSIVE. Identifiers: Orphanet 656, MedGen C1868672, MONDO:0010974, OMIM 600995.

Allele frequency attached by ClinVar (database versions not stated): gnomAD exomes 0.00001 and below 0.00001; ExAC 0.00002.
gnomAD v4.1: 5 of 1,614,154 alleles (0.00031%); highest among the groups gnomAD compares: Non-Finnish European, 0.00034%; no homozygotes.

Submissions (3):

Victorian Clinical Genetics Services, Murdoch Childrens Research Institute
Classification: Likely pathogenic for Nephrotic syndrome, type 2. Last evaluated: 2026-05-25. Review status: criteria provided, single submitter. Criteria: ACMG Guidelines, 2015. Collection method: clinical testing. Allele origin: germline. Affected: yes.
Comment: This variant is classified as Likely pathogenic. Evidence in support of pathogenic classification: Variant is present in gnomAD <0.01 for a recessive condition (v4: 5 heterozygote(s), 0 homozygote(s)); This variant has moderate previous evidence of pathogenicity in unrelated individuals. This variant has been reported in multiple individuals with focal and segmental glomerulosclerosis, and shown to be in trans with the p.(Arg229Gln) variant in affected individuals (PMID: 12464671, 18823551, 25349199, 26413278). It has also been classified as likely pathogenic and VUS in ClinVar; Missense variant predicted to be damaging by in silico tool(s) or highly conserved with a major amino acid change. Additional information: Variant is predicted to result in a missense amino acid change from Leu to Phe; This variant is heterozygous; This gene is associated with autosomal recessive disease; No published evidence of segregation with disease has been identified for this variant; No published functional evidence has been identified for this variant; No comparable missense variants have previous evidence for pathogenicity; Variant is not located in an established domain, motif, hotspot or informative constraint region; Loss of function is a known mechanism of disease in this gene and is associated with nephrotic syndrome, type 2 (MIM#600995); Heterozygous variant detected in trans with a second LIKELY PATHOGENIC heterozygous variant, NM_014625.4(NPHS2):c.686G>A; p.(Arg229Gln), in a recessive disease.

Athena Diagnostics
Classification: Likely pathogenic. Last evaluated: 2021-03-19. Review status: criteria provided, single submitter. Criteria: Athena Diagnostics criteria. Collection method: clinical testing. Allele origin: unknown.
Comment: The frequency of this variant in the general population is consistent with pathogenicity. This variant is statistically more frequent in affected individuals than in the general population and/or healthy controls. This variant has been observed internally only in combination with Arg229Gln and has been reported in published literature to occur with Arg229Gln in trans (PMID: 12464671). Computational tools predict that this variant is damaging.

Counsyl
Classification: Uncertain significance for Nephrotic syndrome, type 2. Last evaluated: 2018-01-25. Review status: no assertion criteria provided. Collection method: clinical testing. Allele origin: unknown. Not counted in ClinVar's aggregate classification.

Literature cited by the submitters: PubMed 26413278 (cited by 3 submitters); PubMed 18823551 (cited by 3 submitters); PubMed 25349199 (cited by 3 submitters); PubMed 12464671 (cited by 3 submitters); PubMed 18216321 (cited by Athena Diagnostics); PubMed 30260545 (cited by Athena Diagnostics); PubMed 29660491 (cited by Athena Diagnostics); PubMed 30406062 (cited by Athena Diagnostics); PubMed 24509478 (cited by Athena Diagnostics and Counsyl).